The following is an entry in ClinVar:

NM_004415.4(DSP):c.1473C>T (p.Ser491=)

Gene: DSP (desmoplakin; plus strand). Cytogenetic location: 6p24.3.
Variant type: single nucleotide variant.
Coding change: c.1473C>T on transcript NM_004415.4 (MANE Select); coding-DNA position 1473, C replaced by T.
Protein change: p.Ser491=; no amino-acid change (serine 491 retained).
Molecular consequence: synonymous variant.
Genome position (GRCh38, 1-based): chr6:7,569,239, C>T. VCF-style: chr6-7569239-C-T. GRCh37 (hg19) VCF-style: chr6-7569472-C-T.
Other names: c.1473C>T (LRG_423t1); c.1473C>T, p.Ser491= (NM_001008844.3, NM_001319034.2).
Identifiers: ClinVar variation 618069 (VCV000618069.8), dbSNP rs1561688471, ClinGen allele CA448522888.
Genomic context (GRCh38, chr6:7,569,239, plus strand): 5'-CTTACAGAAAATCGTGCATAAGGGGGATGAGTGTATCCTGAAGGACAACAACGAGCGCAG[C>T]AAGTGGTACGTGACGGGCCCGGGAGGCGTTGACATGCTTGTTCCCTCTGTGGGGCTGATC-3'
Protein context (NP_004406.2, residues 481-501): ECILKDNNER[Ser491=]KWYVTGPGGV

ClinVar aggregate classification (germline): Uncertain significance (1 of 4 stars; one submission).

Submission:

ARUP Laboratories, Molecular Genetics and Genomics, ARUP Laboratories
Classification: Uncertain significance. Last evaluated: 2017-08-18. Review status: criteria provided, single submitter. Criteria: ARUP Molecular Germline Variant Investigation Process. Collection method: clinical testing. Allele origin: germline.
Comment: The c.1473C>T variant does not alter the amino acid sequence of the DSP protein; however, computational splice site prediction algorithms predict creation of a cryptic splice donor site. This variant has not been reported in association with c.1473C>T in medical literature or in gene specific variation databases. It is absent from general population databases such as 1000 Genomes, NHLBI GO Exome Sequencing Project (ESP) , and the Exome Aggregation Consortium (ExAC) browser. Altogether, there is not enough evidence to classify the c.1473C>T variant with certainty.